The following is an entry in ClinVar:

NM_206933.4(USH2A):c.5728C>T (p.Gln1910Ter)

Genes: USH2A (usherin; minus strand), USH2A-AS2 (USH2A antisense RNA 2; plus strand). Cytogenetic location: 1q41.
Variant type: single nucleotide variant.
Coding change: c.5728C>T on transcript NM_206933.4 (MANE Select); coding-DNA position 5728, C replaced by T.
Protein change: p.Gln1910Ter; replaces glutamine 1910 with a stop codon.
Molecular consequence: nonsense.
Genome position (GRCh38, 1-based): chr1:216,073,145, G>A on the plus strand (C>T on the coding strand, the complement: USH2A is on the minus strand). VCF-style: chr1-216073145-G-A. GRCh37 (hg19) VCF-style: chr1-216246487-G-A.
Other names: short protein forms Q1910*.
Identifiers: ClinVar variation 1284702 (VCV001284702.5), dbSNP rs2031617950, ClinGen allele CA344854140.
Genomic context (GRCh38, chr1:216,073,145, plus strand): 5'-CCTCCACATTACCTGTAAAAGGCTGGAGACCACCCTCGTAAACACTCTGCTCTTTTCCCT[G>A]GTAAACCAGGATGGAGTCATTTCCCCTGCAGTTAACAGCACTGTCAGTTGATAGGCATCC-3'

ClinVar aggregate classification (germline): Pathogenic. Review status: criteria provided, single submitter (1 of 4 stars). 3 submissions from 3 submitters: Pathogenic (1). 2 of the submissions do not count toward it. Last evaluated 2025-03-28.

Conditions:
Usher syndrome type 2A. Also called: RETINAL DISEASE IN USHER SYNDROME TYPE IIA, MODIFIER OF; USHER SYNDROME, TYPE IIA. Identifiers: Orphanet 231178, Orphanet 886, MedGen C1848634, MONDO:0010169, OMIM 276901.

Submissions (3):

3billion
Classification: Pathogenic for Usher syndrome type 2A. Last evaluated: 2025-03-28. Review status: criteria provided, single submitter. Criteria: ACMG Guidelines, 2015. Collection method: clinical testing. Allele origin: germline. Affected: yes.
Comment: The variant is not observed in the gnomAD v4.1.0 dataset. Predicted Consequence/Location: Stop-gained (nonsense): predicted to result in a loss or disruption of normal protein function through nonsense-mediated decay (NMD) or protein truncation. Multiple pathogenic variants are reported downstream of the variant. The variant has been reported at least twice as pathogenic without evidence for the classification (ClinVar ID: VCV001284702 / PMID: 25999674).Therefore, this variant is classified as Pathogenic according to the recommendation of ACMG/AMP guideline.

Clinical Genetics, Academic Medical Center
Classification: Pathogenic. Review status: no assertion criteria provided. Collection method: clinical testing. Allele origin: germline. Affected: yes. Study: VKGL Data-share Consensus. Not counted in ClinVar's aggregate classification.

Joint Genome Diagnostic Labs from Nijmegen and Maastricht, Radboudumc and MUMC+
Classification: Pathogenic. Review status: no assertion criteria provided. Collection method: clinical testing. Allele origin: germline. Affected: yes. Study: VKGL Data-share Consensus. Not counted in ClinVar's aggregate classification.

Literature cited by the submitters: PubMed 25999674 (cited by 3billion).